The following is an entry in ClinVar:

ClinVar aggregate classification (germline): Uncertain significance (1 of 4 stars; one submission).

Conditions:
Fanconi anemia complementation group A (FANCA). Also called: Fanconi anemia, group A; FANCA-Related Fanconi Anemia. Identifiers: Orphanet 84, MedGen C3469521, MONDO:0009215, OMIM 227650.

Submission:

Neuberg Centre For Genomic Medicine, NCGM
Classification: Uncertain significance for Fanconi anemia complementation group A. Last evaluated: 2023-02-14. Review status: criteria provided, single submitter. Criteria: ACMG Guidelines, 2015. Collection method: clinical testing. Allele origin: germline. Inheritance: Autosomal recessive inheritance. Affected: yes.
Comment: The in-frame insertion c.3789_3794dup (p.Phe1263_Ser1264dup) in the FANCA gene has not been reported previously as a pathogenic variant nor as a benign variant, to our knowledge. This variant p.Phe1263_Ser1264dup causes duplication of amino acid Phenylalanine at postion 1263 and Serine at postion 1264. This variant is novel in gnomAD Exomes and 1000 Genomes. For these reasons, this variant has been classified as Uncertain Significance.

NM_000135.4(FANCA):c.3789_3794dup (p.Ser1264_Leu1265insPheSer)

Genes: FANCA (FA complementation group A; minus strand), ZNF276 (zinc finger protein 276; plus strand). Cytogenetic location: 16q24.3.
Variant type: Duplication.
Coding change: c.3789_3794dup on transcript NM_000135.4 (MANE Select); coding-DNA positions 3789 to 3794, 6 bases duplicated (CTCCTT; older notation c.3789_3794dupCTCCTT).
Protein change: p.Ser1264_Leu1265insPheSer.
Molecular consequence: inframe insertion. On other transcripts: 3 prime UTR variant (2), non-coding transcript variant (4).
Genome position (GRCh38, 1-based): chr16:89,740,838-89,740,843, AAGGAG duplicated on the plus strand (CTCCTT on the coding strand, the reverse complement: FANCA is on the minus strand); duplicating any 6 consecutive bases within chr16:89,740,838-89,740,846 gives the same sequence; the c. name uses the placement nearest the transcript's 3' end. VCF-style (leftmost placement, unchanged base first): chr16-89740837-C-CAAGGAG. GRCh37 (hg19) VCF-style: chr16-89807245-C-CAAGGAG.
Other names: c.3789_3794dup, p.Ser1264_Leu1265insPheSer (NM_001286167.3); c.*2595_*2600dup (NM_001113525.2, NM_152287.4).
Identifiers: ClinVar variation 2671632 (VCV002671632.1), dbSNP rs2544095133, ClinGen allele CA2695201180.
Genomic context (GRCh38, chr16:89,740,837, plus strand): 5'-CACCTTGGCTGGTAAGGTCTGACTTACATTTGAGGTCAGATGTGACGACAGCAGGCCCAT[C>CAAGGAG]AAGGAGAAGAAGAAAAGGAAAACCAATAGCTGTAAATAAAAACGTGCACTTATTATTACA-3'